The following is an entry in ClinVar:

ClinVar aggregate classification (germline): Uncertain significance. Review status: criteria provided, multiple submitters, no conflicts (2 of 4 stars). 2 submissions from 2 submitters: Uncertain significance (2). Last evaluated 2024-10-29.

Conditions:
Hereditary cancer-predisposing syndrome. Also called: Hereditary Cancer Syndrome; Tumor predisposition; Neoplastic Syndromes, Hereditary; Hereditary neoplastic syndrome. Identifiers: Orphanet 140162, MedGen C0027672, MeSH D009386, MONDO:0015356.
Neuroblastoma, susceptibility to, 3. Also called: ALK-Related Neuroblastic Tumor Susceptibility. Identifiers: Orphanet 635, MedGen C2751681, MONDO:0013083, OMIM 613014.

Allele frequency attached by ClinVar (database versions not stated): gnomAD exomes below 0.00001.
gnomAD v4.1: 1 of 1,614,128 alleles (0.000062%); highest among the groups gnomAD compares: Non-Finnish European, 0.000085%; no homozygotes.

Submissions (2):

Ambry Genetics
Classification: Uncertain significance for Hereditary cancer-predisposing syndrome. Last evaluated: 2024-10-29. Review status: criteria provided, single submitter. Criteria: Ambry Variant Classification Scheme 2023. Collection method: clinical testing. Allele origin: germline.
Comment: The p.H976P variant (also known as c.2927A>C), located in coding exon 18 of the ALK gene, results from an A to C substitution at nucleotide position 2927. The histidine at codon 976 is replaced by proline, an amino acid with similar properties. This amino acid position is conserved. In addition, this alteration is predicted to be deleterious by in silico analysis. Based on the available evidence, the clinical significance of this variant remains unclear.

Baylor Genetics
Classification: Uncertain significance for Neuroblastoma, susceptibility to, 3. Last evaluated: 2023-11-15. Review status: criteria provided, single submitter. Criteria: ACMG Guidelines, 2015. Collection method: clinical testing. Allele origin: unknown.

NM_004304.5(ALK):c.2927A>C (p.His976Pro)

Gene: ALK (ALK receptor tyrosine kinase; minus strand). Cytogenetic location: 2p23.2.
Variant type: single nucleotide variant.
Coding change: c.2927A>C on transcript NM_004304.5 (MANE Select); coding-DNA position 2927, A replaced by C.
Protein change: p.His976Pro; replaces histidine 976 with proline.
Molecular consequence: missense variant.
Genome position (GRCh38, 1-based): chr2:29,227,062, T>G on the plus strand (A>C on the coding strand, the complement: ALK is on the minus strand). VCF-style: chr2-29227062-T-G. GRCh37 (hg19) VCF-style: chr2-29449928-T-G.
Other names: c.2927A>C (NM_004304.4); short protein forms H976P.
Identifiers: ClinVar variation 3241803 (VCV003241803.2), dbSNP rs2465971605.